The following is an entry in ClinVar:

ClinVar aggregate classification (germline): Uncertain significance. Review status: criteria provided, single submitter (1 of 4 stars). 2 submissions from 1 submitter: Uncertain significance (2). Last evaluated 2021-12-09.

Conditions:
Generalized juvenile polyposis/juvenile polyposis coli. Also called: Juvenile polyposis coli. Identifiers: Orphanet 329971, MedGen C1868081, MONDO:0008276.
Juvenile polyposis syndrome (JPS). Identifiers: Orphanet 2929, MedGen C0345893, MONDO:0017380, OMIM 174900.

Submissions (2):

Labcorp Genetics (formerly Invitae), Labcorp
Classification: Uncertain significance for Juvenile polyposis syndrome. Last evaluated: 2021-12-09. Review status: criteria provided, single submitter. Criteria: Invitae Variant Classification Sherloc (09022015). Collection method: clinical testing. Allele origin: germline.
Comment: A copy number gain of the genomic region encompassing the full coding sequence of the BMPR1A gene has been identified. The boundaries of this event are unknown as they extend beyond the assayed region for this gene and therefore may encompass additional genes. As the precise location of this event is unknown, it may be in tandem or it may be located elsewhere in the genome. This variant has not been reported in the literature in individuals affected with BMPR1A-related conditions. In summary, the available evidence is currently insufficient to determine the role of this variant in disease. Therefore, it has been classified as a Variant of Uncertain Significance.

Labcorp Genetics (formerly Invitae), Labcorp
Classification: Uncertain significance for Juvenile polyposis syndrome. Last evaluated: 2019-12-31. Review status: criteria provided, single submitter. Criteria: Invitae Variant Classification Sherloc (09022015). Collection method: clinical testing. Allele origin: germline.
Comment: This variant results in a copy number gain of the genomic region encompassing the full coding sequence of the BMPR1A gene. The boundaries of this event are unknown as they extend beyond the assayed region for this gene and therefore may encompass additional genes. As the precise location of this event is unknown, it may be in tandem or it may be located elsewhere in the genome. This variant has not been reported in the literature in individuals with BMPR1A-related conditions. In summary, the available evidence is currently insufficient to determine the role of this variant in disease. Therefore, it has been classified as a Variant of Uncertain Significance.

NC_000010.11:g.(?_86838866)_(86923719_?)dup

Gene: BMPR1A (bone morphogenetic protein receptor type 1A; plus strand). Cytogenetic location: 10q23.2.
Variant type: Duplication.
Identifiers: ClinVar variation 830704 (VCV000830704.3).